The following is an entry in ClinVar:

NM_014956.5(CEP164):c.835C>T (p.Pro279Ser)

Gene: CEP164 (centrosomal protein 164; plus strand). Cytogenetic location: 11q23.3.
Variant type: single nucleotide variant.
Coding change: c.835C>T on transcript NM_014956.5 (MANE Select); coding-DNA position 835, C replaced by T.
Protein change: p.Pro279Ser; replaces proline 279 with serine.
Molecular consequence: missense variant.
Genome position (GRCh38, 1-based): chr11:117,371,149, C>T. VCF-style: chr11-117371149-C-T. GRCh37 (hg19) VCF-style: chr11-117241865-C-T.
Other names: c.835C>T, p.Pro279Ser (NM_001271933.2); c.835C>T (NM_014956.4); short protein forms P279S.
Identifiers: ClinVar variation 3599029 (VCV003599029.2).

ClinVar aggregate classification (germline): Uncertain significance. Review status: criteria provided, multiple submitters, no conflicts (2 of 4 stars). 2 submissions from 2 submitters: Uncertain significance (2). Last evaluated 2025-02-18.

Conditions:
CEP164-related disorder. Also called: CEP164-related condition.
Nephronophthisis 15 (NPHP15). Identifiers: Orphanet 3156, MedGen C3541853, MONDO:0013917, OMIM 614845.

gnomAD v4.1: 1 of 1,613,908 alleles (0.000062%); highest among the groups gnomAD compares: Non-Finnish European, 0.000085%; no homozygotes.

Submissions (2):

PreventionGenetics, part of Exact Sciences
Classification: Uncertain significance for CEP164-related condition. Last evaluated: 2025-02-18. Review status: criteria provided, single submitter. Criteria: ACMG Guidelines, 2015. Collection method: clinical testing. Allele origin: germline.
Comment: The CEP164 c.835C>T variant is predicted to result in the amino acid substitution p.Pro279Ser. To our knowledge, this variant has not been reported in the literature or in a large population database (gnomAD), indicating this variant is rare. At this time, the clinical significance of this variant is uncertain due to the absence of conclusive functional and genetic evidence.

Fulgent Genetics
Classification: Uncertain significance for Nephronophthisis 15. Last evaluated: 2024-04-22. Review status: criteria provided, single submitter. Criteria: ACMG Guidelines, 2015. Collection method: clinical testing. Allele origin: germline.